The following is an entry in ClinVar:

NM_001242896.3(DEPDC5):c.4163T>C (p.Leu1388Pro)

Gene: DEPDC5 (DEP domain containing 5, GATOR1 subcomplex subunit; plus strand). Cytogenetic location: 22q12.3.
Variant type: single nucleotide variant.
Coding change: c.4163T>C on transcript NM_001242896.3 (MANE Select); coding-DNA position 4163, T replaced by C.
Protein change: p.Leu1388Pro; replaces leucine 1388 with proline.
Molecular consequence: missense variant. On other transcripts: non-coding transcript variant (5).
Genome position (GRCh38, 1-based): chr22:31,893,711, T>C. VCF-style: chr22-31893711-T-C. GRCh37 (hg19) VCF-style: chr22-32289697-T-C.
Other names: p.Leu1388Pro; c.4136T>C, p.Leu1379Pro (NM_001136029.4); c.3863T>C, p.Leu1288Pro (NM_001242897.2); c.4097T>C, p.Leu1366Pro (NM_001363852.2, NM_001364320.2); c.3929T>C, p.Leu1310Pro (NM_001363854.2, NM_001364319.2); c.4163T>C, p.Leu1388Pro (NM_001364318.2); c.4079T>C, p.Leu1360Pro (NM_001369901.1, NM_001369902.1); c.4070T>C, p.Leu1357Pro (NM_001369903.1, NM_014662.6); and 1 more; short protein forms L1366P, L1288P, L1379P, L1388P, L1357P, L1310P, L1360P.
Identifiers: ClinVar variation 1398183 (VCV001398183.10), dbSNP rs1446980540, ClinGen allele CA411287285.
Genomic context (GRCh38, chr22:31,893,711, plus strand): 5'-AGTGGTGCAGCTGTTATTACCATGGCAACTTTTCTCTGAATGCAGCCTTTGAGATCAAGC[T>C]GCACTGGATGGCGGTGACCGCAGCAGTACTCTTCGAGATGGTGAGAACCTTCATGCATGT-3'
Protein context (NP_001229825.1, residues 1378-1398): FSLNAAFEIK[Leu1388Pro]HWMAVTAAVL

ClinVar aggregate classification (germline): Uncertain significance. Review status: criteria provided, multiple submitters, no conflicts (2 of 4 stars). 3 submissions from 3 submitters: Uncertain significance (3). Last evaluated 2024-10-29.

Conditions:
Familial focal epilepsy with variable foci (FPEVF). Identifiers: Orphanet 98820, MedGen C1858477, MONDO:0020310.
Inborn genetic diseases. Identifiers: MedGen C0950123, MeSH D030342.

Allele frequency attached by ClinVar (database versions not stated): gnomAD exomes below 0.00001.
gnomAD v4.1: 1 of 1,613,898 alleles (0.000062%); highest among the groups gnomAD compares: Admixed American, 0.0017%; no homozygotes.

Submissions (3):

Labcorp Genetics (formerly Invitae), Labcorp
Classification: Uncertain significance for Familial focal epilepsy with variable foci. Last evaluated: 2024-10-29. Review status: criteria provided, single submitter. Criteria: Invitae Variant Classification Sherloc (09022015). Collection method: clinical testing. Allele origin: germline.
Comment: This sequence change replaces leucine, which is neutral and non-polar, with proline, which is neutral and non-polar, at codon 1388 of the DEPDC5 protein (p.Leu1388Pro). This variant is present in population databases (no rsID available, gnomAD 0.003%). This variant has not been reported in the literature in individuals affected with DEPDC5-related conditions. ClinVar contains an entry for this variant (Variation ID: 1398183). Experimental studies and prediction algorithms are not available or were not evaluated, and the functional significance of this variant is currently unknown. In summary, the available evidence is currently insufficient to determine the role of this variant in disease. Therefore, it has been classified as a Variant of Uncertain Significance.

Mayo Clinic Laboratories, Mayo Clinic
Classification: Uncertain significance. Last evaluated: 2022-09-29. Review status: criteria provided, single submitter. Criteria: ACMG Guidelines, 2015. Collection method: clinical testing. Allele origin: germline. Observed: 1 variant allele.

Ambry Genetics
Classification: Uncertain significance for Inborn genetic diseases. Last evaluated: 2020-12-28. Review status: criteria provided, single submitter. Criteria: Ambry Variant Classification Scheme 2023. Collection method: clinical testing. Allele origin: germline.
Comment: The c.4163T>C (p.L1388P) alteration is located in exon 39 (coding exon 38) of the DEPDC5 gene. This alteration results from a T to C substitution at nucleotide position 4163, causing the leucine (L) at amino acid position 1388 to be replaced by a proline (P). The in silico prediction for the p.L1388P alteration is inconclusive. Based on insufficient or conflicting evidence, the clinical significance of this alteration remains unclear.